The following is an entry in ClinVar:

ClinVar aggregate classification (germline): Uncertain significance (0 of 4 stars; one submission).

Conditions:
RPS26-related disorder. Also called: RPS26-related condition.

Submission:

PreventionGenetics, part of Exact Sciences
Classification: Uncertain significance for RPS26-related condition. Last evaluated: 2024-02-13. Review status: no assertion criteria provided. Collection method: clinical testing. Allele origin: germline.
Comment: The RPS26 c.295C>T variant is predicted to result in the amino acid substitution p.Pro99Ser. To our knowledge, this variant has not been reported in the literature or in a large population database, indicating this variant is rare. At this time, the clinical significance of this variant is uncertain due to the absence of conclusive functional and genetic evidence.

NM_001029.5(RPS26):c.295C>T (p.Pro99Ser)

Gene: RPS26 (ribosomal protein S26; plus strand). Cytogenetic location: 12q13.2.
Variant type: single nucleotide variant.
Coding change: c.295C>T on transcript NM_001029.5 (MANE Select); coding-DNA position 295, C replaced by T.
Protein change: p.Pro99Ser; replaces proline 99 with serine.
Molecular consequence: missense variant.
Genome position (GRCh38, 1-based): chr12:56,043,476, C>T. VCF-style: chr12-56043476-C-T. GRCh37 (hg19) VCF-style: chr12-56437260-C-T.
Other names: short protein forms P99S.
Identifiers: ClinVar variation 3061193 (VCV003061193.2), dbSNP rs2540723638, ClinGen allele CA385327368.